The following is an entry in ClinVar:

ClinVar aggregate classification (germline): Pathogenic (1 of 4 stars; one submission).

Conditions:
Ehlers-Danlos syndrome, dermatosparaxis type. Also called: EDS VIIC; Ehlers-Danlos syndrome, type VII, autosomal recessive; Dermatosparaxis. Identifiers: Orphanet 1901, MedGen C2700425, MONDO:0009161, OMIM 225410.

Submission:

Labcorp Genetics (formerly Invitae), Labcorp
Classification: Pathogenic for Ehlers-Danlos syndrome, dermatosparaxis type. Last evaluated: 2022-01-20. Review status: criteria provided, single submitter. Criteria: Invitae Variant Classification Sherloc (09022015). Collection method: clinical testing. Allele origin: germline.
Comment: This sequence change creates a premature translational stop signal (p.Glu857*) in the ADAMTS2 gene. It is expected to result in an absent or disrupted protein product. Loss-of-function variants in ADAMTS2 are known to be pathogenic (PMID: 10417273). This variant is not present in population databases (gnomAD no frequency). This variant has not been reported in the literature in individuals affected with ADAMTS2-related conditions. For these reasons, this variant has been classified as Pathogenic.

Literature cited by the submitters: PubMed 10417273.

NM_014244.5(ADAMTS2):c.2569G>T (p.Glu857Ter)

Gene: ADAMTS2 (ADAM metallopeptidase with thrombospondin type 1 motif 2; minus strand). Cytogenetic location: 5q35.3.
Variant type: single nucleotide variant.
Coding change: c.2569G>T on transcript NM_014244.5 (MANE Select); coding-DNA position 2569, G replaced by T.
Protein change: p.Glu857Ter; replaces glutamic acid 857 with a stop codon.
Molecular consequence: nonsense.
Genome position (GRCh38, 1-based): chr5:179,128,007, C>A on the plus strand (G>T on the coding strand, the complement: ADAMTS2 is on the minus strand). VCF-style: chr5-179128007-C-A. GRCh37 (hg19) VCF-style: chr5-178555008-C-A.
Other names: short protein forms E857*.
Identifiers: ClinVar variation 2088004 (VCV002088004.4), dbSNP rs747653130, ClinGen allele CA362422982.